The following is an entry in ClinVar:

NM_001621.5(AHR):c.2329G>A (p.Glu777Lys)

Gene: AHR (aryl hydrocarbon receptor; plus strand). Cytogenetic location: 7p21.1.
Variant type: single nucleotide variant.
Coding change: c.2329G>A on transcript NM_001621.5 (MANE Select); coding-DNA position 2329, G replaced by A.
Protein change: p.Glu777Lys; replaces glutamic acid 777 with lysine.
Molecular consequence: missense variant.
Genome position (GRCh38, 1-based): chr7:17,340,154, G>A. VCF-style: chr7-17340154-G-A. GRCh37 (hg19) VCF-style: chr7-17379778-G-A.
Other names: short protein forms E777K.
Identifiers: ClinVar variation 1366542 (VCV001366542.6), dbSNP rs778197511, ClinGen allele CA4172270.

ClinVar aggregate classification (germline): Uncertain significance (1 of 4 stars; one submission).

Allele frequency attached by ClinVar (database versions not stated): ExAC 0.00001; gnomAD 0.00001; gnomAD exomes below 0.00001 and 0.00001.
gnomAD v4.1: 10 of 1,614,078 alleles (0.00062%); highest among the groups gnomAD compares: South Asian, 0.011%; no homozygotes.

Submission:

Labcorp Genetics (formerly Invitae), Labcorp
Classification: Uncertain significance. Last evaluated: 2023-05-15. Review status: criteria provided, single submitter. Criteria: Invitae Variant Classification Sherloc (09022015). Collection method: clinical testing. Allele origin: germline.
Comment: This sequence change replaces glutamic acid, which is acidic and polar, with lysine, which is basic and polar, at codon 777 of the AHR protein (p.Glu777Lys). In summary, the available evidence is currently insufficient to determine the role of this variant in disease. Therefore, it has been classified as a Variant of Uncertain Significance. An algorithm developed to predict the effect of missense changes on protein structure and function (PolyPhen-2) suggests that this variant is likely to be tolerated. ClinVar contains an entry for this variant (Variation ID: 1366542). This variant has not been reported in the literature in individuals affected with AHR-related conditions. This variant is present in population databases (rs778197511, gnomAD 0.003%).